The following is an entry in ClinVar:

ClinVar aggregate classification (germline): Uncertain significance (1 of 4 stars; one submission).

Submission:

Labcorp Genetics (formerly Invitae), Labcorp
Classification: Uncertain significance. Last evaluated: 2022-03-20. Review status: criteria provided, single submitter. Criteria: Invitae Variant Classification Sherloc (09022015). Collection method: clinical testing. Allele origin: germline.
Comment: Algorithms developed to predict the effect of sequence changes on RNA splicing suggest that this variant may disrupt the consensus splice site. This variant has not been reported in the literature in individuals affected with SLC24A1-related conditions. This sequence change falls in intron 3 of the SLC24A1 gene. It does not directly change the encoded amino acid sequence of the SLC24A1 protein. This variant is not present in population databases (gnomAD no frequency). In summary, the available evidence is currently insufficient to determine the role of this variant in disease. Therefore, it has been classified as a Variant of Uncertain Significance.

NM_004727.3(SLC24A1):c.1945-6G>C

Gene: SLC24A1 (solute carrier family 24 member 1; plus strand). Cytogenetic location: 15q22.31.
Variant type: single nucleotide variant.
Coding change: c.1945-6G>C on transcript NM_004727.3 (MANE Select); 6 bases into the intron before coding-DNA position 1945, G replaced by C.
Molecular consequence: intron variant.
Genome position (GRCh38, 1-based): chr15:65,639,589, G>C. VCF-style: chr15-65639589-G-C. GRCh37 (hg19) VCF-style: chr15-65931927-G-C.
Other names: c.1891-6G>C (NM_001301033.2, NM_001301032.1); c.1945-6G>C (NM_001301031.1).
Identifiers: ClinVar variation 2091137 (VCV002091137.4), dbSNP rs1457980589, ClinGen allele CA714925748.